The following is an entry in ClinVar:

NM_000152.5(GAA):c.2435A>T (p.Asp812Val)

Gene: GAA (alpha glucosidase; plus strand). Cytogenetic location: 17q25.3.
Variant type: single nucleotide variant.
Coding change: c.2435A>T on transcript NM_000152.5 (MANE Select); coding-DNA position 2435, A replaced by T.
Protein change: p.Asp812Val; replaces aspartic acid 812 with valine.
Molecular consequence: missense variant.
Genome position (GRCh38, 1-based): chr17:80,117,703, A>T. VCF-style: chr17-80117703-A-T. GRCh37 (hg19) VCF-style: chr17-78091502-A-T.
Other names: c.2435A>T, p.Asp812Val (NM_001079803.3, NM_001079804.3, NM_001406741.1 and 1 more transcripts); short protein forms D812V.
Identifiers: ClinVar variation 3671420 (VCV003671420.2).

ClinVar aggregate classification (germline): Uncertain significance (1 of 4 stars; one submission).

Conditions:
Glycogen storage disease, type II (IOPD). Also called: POMPE DISEASE, INFANTILE-ONSET; GLYCOGEN STORAGE DISEASE II, INFANTILE-ONSET; ACID ALPHA-GLUCOSIDASE DEFICIENCY, INFANTILE-ONSET; GAA DEFICIENCY, INFANTILE-ONSET; ACID MALTASE DEFICIENCY, INFANTILE-ONSET; GLYCOGENOSIS, GENERALIZED, CARDIAC FORM. Identifiers: Orphanet 365, MedGen C0017921, MONDO:0009290, OMIM 232300.

gnomAD v4.1: 1 of 1,612,204 alleles (0.000062%); highest among the groups gnomAD compares: Non-Finnish European, 0.000085%; no homozygotes.

Submission:

Labcorp Genetics (formerly Invitae), Labcorp
Classification: Uncertain significance for Glycogen storage disease, type II. Last evaluated: 2024-04-13. Review status: criteria provided, single submitter. Criteria: Invitae Variant Classification Sherloc (09022015). Collection method: clinical testing. Allele origin: germline.
Comment: This sequence change replaces aspartic acid, which is acidic and polar, with valine, which is neutral and non-polar, at codon 812 of the GAA protein (p.Asp812Val). This variant is not present in population databases (gnomAD no frequency). This variant has not been reported in the literature in individuals affected with GAA-related conditions. Advanced modeling of protein sequence and biophysical properties (such as structural, functional, and spatial information, amino acid conservation, physicochemical variation, residue mobility, and thermodynamic stability) performed at Invitae indicates that this missense variant is expected to disrupt GAA protein function with a positive predictive value of 95%. In summary, the available evidence is currently insufficient to determine the role of this variant in disease. Therefore, it has been classified as a Variant of Uncertain Significance.